The following is an entry in ClinVar:

ClinVar aggregate classification (germline): Uncertain significance. Review status: criteria provided, multiple submitters, no conflicts (2 of 4 stars). 2 submissions from 2 submitters: Uncertain significance (2). Last evaluated 2025-10-01.

Allele frequency attached by ClinVar (database versions not stated): gnomAD 0.00001; TOPMed 0.00001; gnomAD exomes 0.00002.
gnomAD v4.1: 24 of 1,614,054 alleles (0.0015%); highest among the groups gnomAD compares: Non-Finnish European, 0.002%; no homozygotes.

Submissions (2):

Labcorp Genetics (formerly Invitae), Labcorp
Classification: Uncertain significance. Last evaluated: 2025-10-01. Review status: criteria provided, single submitter. Criteria: Invitae Variant Classification Sherloc (09022015). Collection method: clinical testing. Allele origin: germline.
Comment: This sequence change replaces glycine, which is neutral and non-polar, with valine, which is neutral and non-polar, at codon 108 of the RFWD3 protein (p.Gly108Val). This variant is not present in population databases (gnomAD no frequency). This variant has not been reported in the literature in individuals affected with RFWD3-related conditions. ClinVar contains an entry for this variant (Variation ID: 2042040). An algorithm developed to predict the effect of missense changes on protein structure and function outputs the following: PolyPhen-2: "Benign". The valine amino acid residue is found in multiple mammalian species, which suggests that this missense change does not adversely affect protein function. In summary, the available evidence is currently insufficient to determine the role of this variant in disease. Therefore, it has been classified as a Variant of Uncertain Significance.

Ambry Genetics
Classification: Uncertain significance. Last evaluated: 2024-08-05. Review status: criteria provided, single submitter. Criteria: Ambry Variant Classification Scheme 2023. Collection method: clinical testing. Allele origin: germline.

NM_018124.4(RFWD3):c.323G>T (p.Gly108Val)

Gene: RFWD3 (ring finger and WD repeat domain 3; minus strand). Cytogenetic location: 16q23.1.
Variant type: single nucleotide variant.
Coding change: c.323G>T on transcript NM_018124.4 (MANE Select); coding-DNA position 323, G replaced by T.
Protein change: p.Gly108Val; replaces glycine 108 with valine.
Molecular consequence: missense variant. On other transcripts: 5 prime UTR variant (4), intron variant (1).
Genome position (GRCh38, 1-based): chr16:74,661,127, C>A on the plus strand (G>T on the coding strand, the complement: RFWD3 is on the minus strand). VCF-style: chr16-74661127-C-A. GRCh37 (hg19) VCF-style: chr16-74695025-C-A.
Other names: c.323G>T (NM_018124.3); c.323G>T, p.Gly108Val (NM_001370534.1, NM_001370535.1, NM_001370536.1); c.-686G>T (NM_001370537.1); c.-309G>T (NM_001370539.1, NM_001370541.1); c.-563G>T (NM_001370542.1); c.-441G>T (NM_001370543.1); c.-317+3497G>T (NM_001370540.1); short protein forms G108V.
Identifiers: ClinVar variation 2042040 (VCV002042040.5), dbSNP rs756678157, ClinGen allele CA283770754.